The following is an entry in ClinVar:

NM_170606.3(KMT2C):c.12151A>G (p.Arg4051Gly)

Gene: KMT2C (lysine methyltransferase 2C; minus strand). Cytogenetic location: 7q36.1.
Variant type: single nucleotide variant.
Coding change: c.12151A>G on transcript NM_170606.3 (MANE Select); coding-DNA position 12151, A replaced by G.
Protein change: p.Arg4051Gly; replaces arginine 4051 with glycine.
Molecular consequence: missense variant.
Genome position (GRCh38, 1-based): chr7:152,154,135, T>C on the plus strand (A>G on the coding strand, the complement: KMT2C is on the minus strand). VCF-style: chr7-152154135-T-C. GRCh37 (hg19) VCF-style: chr7-151851220-T-C.
Other names: short protein forms R4051G.
Identifiers: ClinVar variation 2635724 (VCV002635724.4), dbSNP rs777339684, ClinGen allele CA169223550.

ClinVar aggregate classification (germline): Conflicting classifications of pathogenicity. Review status: criteria provided, conflicting classifications (1 of 4 stars). 2 submissions from 2 submitters: Uncertain significance (1); Likely benign (1). Last evaluated 2025-10-14.

Conditions:
KMT2C-related disorder. Also called: KMT2C-related condition; KMT2C-related disorders.

Allele frequency attached by ClinVar (database versions not stated): gnomAD 0.00001; TOPMed 0.00002; gnomAD exomes 0.00006.
gnomAD v4.1: 85 of 1,614,036 alleles (0.0053%); highest among the groups gnomAD compares: Non-Finnish European, 0.0071%; no homozygotes.

Submissions (2):

Labcorp Genetics (formerly Invitae), Labcorp
Classification: Likely benign. Last evaluated: 2025-10-14. Review status: criteria provided, single submitter. Criteria: Invitae Variant Classification Sherloc (09022015). Collection method: clinical testing. Allele origin: germline.

PreventionGenetics, part of Exact Sciences
Classification: Uncertain significance for KMT2C-related condition. Last evaluated: 2023-09-11. Review status: criteria provided, single submitter. Criteria: ACMG Guidelines, 2015. Collection method: clinical testing. Allele origin: germline.
Comment: The KMT2C c.12151A>G variant is predicted to result in the amino acid substitution p.Arg4051Gly. To our knowledge, this variant has not been reported in the literature. This variant is reported in 0.0018% of alleles in individuals of European (Non-Finnish) descent in gnomAD. At this time, the clinical significance of this variant is uncertain due to the absence of conclusive functional and genetic evidence.